The following is an entry in ClinVar:

NM_001282933.2(ZNF341):c.2069A>G (p.Lys690Arg)

Genes: ZNF341 (zinc finger protein 341; plus strand), ZNF341-AS1 (ZNF341 antisense RNA 1; minus strand). Cytogenetic location: 20q11.22.
Variant type: single nucleotide variant.
Coding change: c.2069A>G on transcript NM_001282933.2 (MANE Select); coding-DNA position 2069, A replaced by G.
Protein change: p.Lys690Arg; replaces lysine 690 with arginine.
Molecular consequence: missense variant. On other transcripts: non-coding transcript variant (1).
Genome position (GRCh38, 1-based): chr20:33,791,021, A>G. VCF-style: chr20-33791021-A-G. GRCh37 (hg19) VCF-style: chr20-32378827-A-G.
Other names: c.1799A>G, p.Lys600Arg (NM_001282935.2); c.2048A>G, p.Lys683Arg (NM_032819.5); c.2048A>G (NM_032819.3); short protein forms K600R, K683R, K690R.
Identifiers: ClinVar variation 2161342 (VCV002161342.2), dbSNP rs143837939, ClinGen allele CA9819691.

ClinVar aggregate classification (germline): Uncertain significance. Review status: criteria provided, multiple submitters, no conflicts (2 of 4 stars). 2 submissions from 2 submitters: Uncertain significance (2). Last evaluated 2022-01-17.

Allele frequency attached by ClinVar (database versions not stated): gnomAD exomes 0.00003; ExAC 0.00011; ESP Exome Variant Server 0.00023; gnomAD 0.00030; TOPMed 0.00039.
gnomAD v4.1: 87 of 1,613,184 alleles (0.0054%); highest among the groups gnomAD compares: African/African-American, 0.1%; no homozygotes.

Submissions (2):

Labcorp Genetics (formerly Invitae), Labcorp
Classification: Uncertain significance. Last evaluated: 2022-01-17. Review status: criteria provided, single submitter. Criteria: Invitae Variant Classification Sherloc (09022015). Collection method: clinical testing. Allele origin: germline.
Comment: This sequence change replaces lysine, which is basic and polar, with arginine, which is basic and polar, at codon 683 of the ZNF341 protein (p.Lys683Arg). This variant is present in population databases (rs143837939, gnomAD 0.1%). This variant has not been reported in the literature in individuals affected with ZNF341-related conditions. Algorithms developed to predict the effect of missense changes on protein structure and function are either unavailable or do not agree on the potential impact of this missense change (SIFT: "Deleterious"; PolyPhen-2: "Benign"; Align-GVGD: "Class C0"). Algorithms developed to predict the effect of sequence changes on RNA splicing suggest that this variant may create or strengthen a splice site. In summary, the available evidence is currently insufficient to determine the role of this variant in disease. Therefore, it has been classified as a Variant of Uncertain Significance.

Ambry Genetics
Classification: Uncertain significance. Last evaluated: 2021-10-05. Review status: criteria provided, single submitter. Criteria: Ambry Variant Classification Scheme 2023. Collection method: clinical testing. Allele origin: germline.